The following is an entry in ClinVar:

ClinVar aggregate classification (germline): Conflicting classifications of pathogenicity. Review status: criteria provided, conflicting classifications (1 of 4 stars). 2 submissions from 2 submitters: Uncertain significance (1); Likely benign (1). Last evaluated 2023-11-27.

Conditions:
Inborn genetic diseases. Identifiers: MedGen C0950123, MeSH D030342.

gnomAD v4.1: 3 of 1,613,788 alleles (0.00019%); highest among the groups gnomAD compares: East Asian, 0.0067%; no homozygotes.

Submissions (2):

Labcorp Genetics (formerly Invitae), Labcorp
Classification: Uncertain significance. Last evaluated: 2023-11-27. Review status: criteria provided, single submitter. Criteria: Invitae Variant Classification Sherloc (09022015). Collection method: clinical testing. Allele origin: germline.
Comment: This sequence change replaces glycine, which is neutral and non-polar, with alanine, which is neutral and non-polar, at codon 2120 of the ATR protein (p.Gly2120Ala). This variant is present in population databases (rs35134774, gnomAD 0.006%). This variant has not been reported in the literature in individuals affected with ATR-related conditions. ClinVar contains an entry for this variant (Variation ID: 2171191). Algorithms developed to predict the effect of missense changes on protein structure and function output the following: SIFT: "Not Available"; PolyPhen-2: "Benign"; Align-GVGD: "Not Available". The alanine amino acid residue is found in multiple mammalian species, which suggests that this missense change does not adversely affect protein function. In summary, the available evidence is currently insufficient to determine the role of this variant in disease. Therefore, it has been classified as a Variant of Uncertain Significance.

Ambry Genetics
Classification: Likely benign for Inborn genetic diseases. Last evaluated: 2023-09-17. Review status: criteria provided, single submitter. Criteria: Ambry Variant Classification Scheme 2023. Collection method: clinical testing. Allele origin: germline.

NM_001184.4(ATR):c.6359G>C (p.Gly2120Ala)

Gene: ATR (ATR checkpoint kinase; minus strand). Cytogenetic location: 3q23.
Variant type: single nucleotide variant.
Coding change: c.6359G>C on transcript NM_001184.4 (MANE Select); coding-DNA position 6359, G replaced by C.
Protein change: p.Gly2120Ala; replaces glycine 2120 with alanine.
Molecular consequence: missense variant.
Genome position (GRCh38, 1-based): chr3:142,469,530, C>G on the plus strand (G>C on the coding strand, the complement: ATR is on the minus strand). VCF-style: chr3-142469530-C-G. GRCh37 (hg19) VCF-style: chr3-142188372-C-G.
Other names: c.6167G>C, p.Gly2056Ala (NM_001354579.2); c.6359G>C (NM_001184.3); short protein forms G2056A, G2120A.
Identifiers: ClinVar variation 2171191 (VCV002171191.3), dbSNP rs35134774, ClinGen allele CA84733395.